The following is an entry in ClinVar:

NM_152424.4(AMER1):c.2471A>T (p.Glu824Val)

Gene: AMER1 (APC membrane recruitment protein 1; minus strand). Cytogenetic location: Xq11.2.
Variant type: single nucleotide variant.
Coding change: c.2471A>T on transcript NM_152424.4 (MANE Select); coding-DNA position 2471, A replaced by T.
Protein change: p.Glu824Val; replaces glutamic acid 824 with valine.
Molecular consequence: missense variant.
Genome position (GRCh38, 1-based): chrX:64,190,816, T>A on the plus strand (A>T on the coding strand, the complement: AMER1 is on the minus strand). VCF-style: chrX-64190816-T-A. GRCh37 (hg19) VCF-style: chrX-63410696-T-A.
Other names: short protein forms E824V.
Identifiers: ClinVar variation 4777131 (VCV004777131.1).
Genomic context (GRCh38, chrX:64,190,816, plus strand): 5'-CCCAGCTCAAAGGCTTCCAAGGAGGCTGCAAGATCTTCATCATTGTGGAACTCAGGATTC[T>A]CTTCACACTTGCCTTCCCCATCCCGTTCCACATCAGCGATGTCAAAGGTCACCATGGGAG-3'
Protein context (NP_689637.3, residues 814-834): VERDGEGKCE[Glu824Val]NPEFHNDEDL

ClinVar aggregate classification (germline): Uncertain significance (1 of 4 stars; one submission).

Submission:

Labcorp Genetics (formerly Invitae), Labcorp
Classification: Uncertain significance. Last evaluated: 2025-05-27. Review status: criteria provided, single submitter. Criteria: Invitae Variant Classification Sherloc (09022015). Collection method: clinical testing. Allele origin: germline.
Comment: This sequence change replaces glutamic acid, which is acidic and polar, with valine, which is neutral and non-polar, at codon 824 of the AMER1 protein (p.Glu824Val). This variant is not present in population databases (gnomAD no frequency). This variant has not been reported in the literature in individuals affected with AMER1-related conditions. An algorithm developed to predict the effect of missense changes on protein structure and function (PolyPhen-2) suggests that this variant is likely to be disruptive. In summary, the available evidence is currently insufficient to determine the role of this variant in disease. Therefore, it has been classified as a Variant of Uncertain Significance.